The following is an entry in ClinVar:

NM_024753.5(TTC21B):c.779A>T (p.Glu260Val)

Gene: TTC21B (tetratricopeptide repeat domain 21B; minus strand). Cytogenetic location: 2q24.3.
Variant type: single nucleotide variant.
Coding change: c.779A>T on transcript NM_024753.5 (MANE Select); coding-DNA position 779, A replaced by T.
Protein change: p.Glu260Val; replaces glutamic acid 260 with valine.
Molecular consequence: missense variant.
Genome position (GRCh38, 1-based): chr2:165,932,989, T>A on the plus strand (A>T on the coding strand, the complement: TTC21B is on the minus strand). VCF-style: chr2-165932989-T-A. GRCh37 (hg19) VCF-style: chr2-166789499-T-A.
Other names: c.779A>T (NM_024753.4, NM_024753.3); short protein forms E260V.
Identifiers: ClinVar variation 1903905 (VCV001903905.4), dbSNP rs367784868, ClinGen allele CA1942345.

ClinVar aggregate classification (germline): Uncertain significance. Review status: criteria provided, multiple submitters, no conflicts (2 of 4 stars). 3 submissions from 3 submitters: Uncertain significance (2). 1 of the submissions does not count toward it. Last evaluated 2024-12-12.

Conditions:
Inborn genetic diseases. Identifiers: MedGen C0950123, MeSH D030342.
TTC21B-related disorder. Also called: TTC21B-related disorders; TTC21B-related condition.
Nephronophthisis. Also called: Juvenile Nephronophthisis. Identifiers: Orphanet 655, MedGen C0687120, MONDO:0019005, HP:0000090.
Jeune thoracic dystrophy. Also called: Jeune syndrome; Infantile thoracic dystrophy; Thoracic pelvic phalangeal dystrophy; Jeune's syndrome; Chondroectodermal dysplasia-like syndrome; Short-rib thoracic dysplasia. Identifiers: Orphanet 474, MedGen C0265275, MONDO:0018770.

Allele frequency attached by ClinVar (database versions not stated): ExAC 0.00001; gnomAD 0.00004; TOPMed 0.00004.
gnomAD v4.1: 8 of 1,612,730 alleles (0.0005%); highest among the groups gnomAD compares: African/African-American, 0.008%; no homozygotes.

Submissions (3):

Ambry Genetics
Classification: Uncertain significance for Inborn genetic diseases. Last evaluated: 2024-12-12. Review status: criteria provided, single submitter. Criteria: Ambry Variant Classification Scheme 2023. Collection method: clinical testing. Allele origin: germline.

Labcorp Genetics (formerly Invitae), Labcorp
Classification: Uncertain significance for Jeune thoracic dystrophy; Nephronophthisis. Last evaluated: 2022-10-13. Review status: criteria provided, single submitter. Criteria: Invitae Variant Classification Sherloc (09022015). Collection method: clinical testing. Allele origin: germline.
Comment: This sequence change replaces glutamic acid, which is acidic and polar, with valine, which is neutral and non-polar, at codon 260 of the TTC21B protein (p.Glu260Val). This variant is present in population databases (rs367784868, gnomAD 0.007%). This variant has not been reported in the literature in individuals affected with TTC21B-related conditions. Advanced modeling of protein sequence and biophysical properties (such as structural, functional, and spatial information, amino acid conservation, physicochemical variation, residue mobility, and thermodynamic stability) performed at Invitae indicates that this missense variant is not expected to disrupt TTC21B protein function. In summary, the available evidence is currently insufficient to determine the role of this variant in disease. Therefore, it has been classified as a Variant of Uncertain Significance.

PreventionGenetics, part of Exact Sciences
Classification: Uncertain significance for TTC21B-related condition. Last evaluated: 2024-08-06. Review status: no assertion criteria provided. Collection method: clinical testing. Allele origin: germline. Not counted in ClinVar's aggregate classification.
Comment: The TTC21B c.779A>T variant is predicted to result in the amino acid substitution p.Glu260Val. To our knowledge, this variant has not been reported in the literature. This variant is reported in 0.0062% of alleles in individuals of African descent in gnomAD. At this time, the clinical significance of this variant is uncertain due to the absence of conclusive functional and genetic evidence.